The following is an entry in ClinVar:

NM_001382391.1(CSPP1):c.8A>C (p.Asp3Ala)

Gene: CSPP1 (centrosome and spindle pole associated protein 1; plus strand). Cytogenetic location: 8q13.1.
Variant type: single nucleotide variant.
Coding change: c.8A>C on transcript NM_001382391.1 (MANE Select); coding-DNA position 8, A replaced by C.
Protein change: p.Asp3Ala; replaces aspartic acid 3 with alanine.
Molecular consequence: missense variant.
Genome position (GRCh38, 1-based): chr8:67,074,260, A>C. VCF-style: chr8-67074260-A-C. GRCh37 (hg19) VCF-style: chr8-67986495-A-C.
Other names: c.8A>C, p.Asp3Ala (NM_001363131.2, NM_001363132.2, NM_001363133.2); c.116A>C, p.Asp39Ala (NM_001364869.1, NM_001364870.1, NM_024790.7); short protein forms D39A, D3A.
Identifiers: ClinVar variation 1044255 (VCV001044255.6), dbSNP rs1585833752, ClinGen allele CA371211086.

ClinVar aggregate classification (germline): Uncertain significance (1 of 4 stars; one submission).

Conditions:
Joubert syndrome 21 (JBTS21). Identifiers: MedGen C3810212, MONDO:0014288, OMIM 615636.

Allele frequency attached by ClinVar (database versions not stated): TOPMed below 0.00001; gnomAD exomes 0.00001.
gnomAD v4.1: 5 of 1,608,350 alleles (0.00031%); highest among the groups gnomAD compares: East Asian, 0.011%; no homozygotes.

Submission:

Labcorp Genetics (formerly Invitae), Labcorp
Classification: Uncertain significance for Joubert syndrome 21. Last evaluated: 2024-02-24. Review status: criteria provided, single submitter. Criteria: Invitae Variant Classification Sherloc (09022015). Collection method: clinical testing. Allele origin: germline.
Comment: This sequence change replaces aspartic acid, which is acidic and polar, with alanine, which is neutral and non-polar, at codon 39 of the CSPP1 protein (p.Asp39Ala). This variant is not present in population databases (gnomAD no frequency). This variant has not been reported in the literature in individuals affected with CSPP1-related conditions. ClinVar contains an entry for this variant (Variation ID: 1044255). An algorithm developed to predict the effect of missense changes on protein structure and function (PolyPhen-2) suggests that this variant is likely to be disruptive. In summary, the available evidence is currently insufficient to determine the role of this variant in disease. Therefore, it has been classified as a Variant of Uncertain Significance.